The following is an entry in ClinVar:

ClinVar aggregate classification (germline): Uncertain significance (1 of 4 stars; one submission).

gnomAD v4.1: 1 of 1,613,722 alleles (0.000062%); highest among the groups gnomAD compares: Non-Finnish European, 0.000085%; no homozygotes.

Submission:

Labcorp Genetics (formerly Invitae), Labcorp
Classification: Uncertain significance. Last evaluated: 2023-07-03. Review status: criteria provided, single submitter. Criteria: Invitae Variant Classification Sherloc (09022015). Collection method: clinical testing. Allele origin: germline.
Comment: In summary, the available evidence is currently insufficient to determine the role of this variant in disease. Therefore, it has been classified as a Variant of Uncertain Significance. An algorithm developed to predict the effect of missense changes on protein structure and function (PolyPhen-2) suggests that this variant is likely to be disruptive. This variant has not been reported in the literature in individuals affected with PRDM13-related conditions. This variant is not present in population databases (gnomAD no frequency). This sequence change replaces glycine, which is neutral and non-polar, with valine, which is neutral and non-polar, at codon 21 of the PRDM13 protein (p.Gly21Val).

NM_021620.4(PRDM13):c.62G>T (p.Gly21Val)

Gene: PRDM13 (PR/SET domain 13; plus strand). Cytogenetic location: 6q16.2.
Variant type: single nucleotide variant.
Coding change: c.62G>T on transcript NM_021620.4 (MANE Select); coding-DNA position 62, G replaced by T.
Protein change: p.Gly21Val; replaces glycine 21 with valine.
Molecular consequence: missense variant.
Genome position (GRCh38, 1-based): chr6:99,607,096, G>T. VCF-style: chr6-99607096-G-T. GRCh37 (hg19) VCF-style: chr6-100054972-G-T.
Other names: short protein forms G21V.
Identifiers: ClinVar variation 2735233 (VCV002735233.3), dbSNP rs1769957611, ClinGen allele CA365113154.
Genomic context (GRCh38, chr6:99,607,096, plus strand): 5'-TGCACGGAGCCGCCAGAGCGCCAGCCACCAGCGTGAGTGCCGACTGCTGCATCCCGGCCG[G>T]CTTGCGCCTCGGACCGGTGCCTGGTACCTTCAAGCTGGGCAAGTACCTGTCAGACCGCAG-3'
Protein context (NP_067633.2, residues 11-31): SVSADCCIPA[Gly21Val]LRLGPVPGTF